The following is an entry in ClinVar:

ClinVar aggregate classification (germline): Pathogenic (1 of 4 stars; one submission).

Submission:

Labcorp Genetics (formerly Invitae), Labcorp
Classification: Pathogenic. Last evaluated: 2025-03-26. Review status: criteria provided, single submitter. Criteria: Invitae Variant Classification Sherloc (09022015). Collection method: clinical testing. Allele origin: germline.
Comment: This sequence change creates a premature translational stop signal (p.Gln1374*) in the COL11A1 gene. It is expected to result in an absent or disrupted protein product. Loss-of-function variants in COL11A1 are known to be pathogenic (PMID: 20513134, 21035103, 23922384, 25240749, 32427345, 32756486). This variant is not present in population databases (gnomAD no frequency). This premature translational stop signal has been observed in individual(s) with deafness (PMID: 30245514). For these reasons, this variant has been classified as Pathogenic.

Literature cited by the submitters: PubMed 20513134; PubMed 21035103; PubMed 23922384; PubMed 25240749; PubMed 32427345; PubMed 32756486; PubMed 30245514.

NM_001854.4(COL11A1):c.4120C>T (p.Gln1374Ter)

Gene: COL11A1 (collagen type XI alpha 1 chain; minus strand). Cytogenetic location: 1p21.1.
Variant type: single nucleotide variant.
Coding change: c.4120C>T on transcript NM_001854.4 (MANE Select); coding-DNA position 4120, C replaced by T.
Protein change: p.Gln1374Ter; replaces glutamine 1374 with a stop codon.
Molecular consequence: nonsense. On other transcripts: non-coding transcript variant (1).
Genome position (GRCh38, 1-based): chr1:102,898,961, G>A on the plus strand (C>T on the coding strand, the complement: COL11A1 is on the minus strand). VCF-style: chr1-102898961-G-A. GRCh37 (hg19) VCF-style: chr1-103364517-G-A.
Other names: c.4003C>T, p.Gln1335Ter (NM_001190709.2); c.4156C>T, p.Gln1386Ter (NM_080629.3); c.3772C>T, p.Gln1258Ter (NM_080630.4); short protein forms Q1258*, Q1374*, Q1335*, Q1386*.
Identifiers: ClinVar variation 4716015 (VCV004716015.1).